The following is an entry in ClinVar:

ClinVar aggregate classification (germline): Likely pathogenic (1 of 4 stars; one submission).

Conditions:
Glycogen storage disease type III (GSD3). Also called: FORBES DISEASE; Cori disease. Identifiers: Orphanet 366, MedGen C0017922, MONDO:0009291, OMIM 232400.

Submission:

Natera, Inc.
Classification: Likely pathogenic for Glycogen storage disease type III. Last evaluated: 2025-10-02. Review status: criteria provided, single submitter. Criteria: Natera Variant Classification Schema (03/2026). Collection method: clinical testing. Allele origin: germline.
Comment: The c.2420_2433+15del variant in AGL is a deletion affecting a canonical splice donor site and part of an exon. This variant is expected to result in nonsense mediated decay, truncation, or a dysfunctional protein product. This variant is rare in the general population with a frequency below the threshold expected for the associated phenotype(s). Given the available evidence, this variant is classified as Likely Pathogenic.

NM_000642.3(AGL):c.2420_2433+15del

Gene: AGL (amylo-alpha-1,6-glucosidase and 4-alpha-glucanotransferase; plus strand). Cytogenetic location: 1p21.2.
Variant type: Deletion.
Coding change: c.2420_2433+15del on transcript NM_000642.3 (MANE Select); coding-DNA position 2420 through 15 bases into the intron after coding-DNA position 2433, 29 bases deleted (GAGAACATATTCAGGTATTTGGGACTCTC).
Molecular consequence: splice donor variant.
Genome position (GRCh38, 1-based): chr1:99,884,231-99,884,259, GAGAACATATTCAGGTATTTGGGACTCTC deleted. VCF-style (leftmost placement, unchanged base first): chr1-99884230-AGAGAACATATTCAGGTATTTGGGACTCTC-A. GRCh37 (hg19) VCF-style: chr1-100349786-AGAGAACATATTCAGGTATTTGGGACTCTC-A.
Other names: c.2420_2433+15del (NM_000643.3, NM_000644.3, NM_001425326.1 and 2 more transcripts); c.2372_2385+15del (NM_000646.3); c.2219_2232+15del (NM_001425327.1); c.2216_2229+15del (NM_001425328.1, NM_001425329.1); c.2042_2055+15del (NM_001425332.1).
Identifiers: ClinVar variation 4814439 (VCV004814439.1).
Genomic context (GRCh38, chr1:99,884,230, plus strand): 5'-AAACCTTATAGGAAGGATGAGAATTCAATCAATGGAACACCAGATATCACAGTAGAAATT[AGAGAACATATTCAGGTATTTGGGACTCTC>A]ATCTTACTACTGTGTTTAGCATTTTAAGAACATTAGAACTATTTGTTGAATGGATTTTTT-3'